The following is an entry in ClinVar:

ClinVar aggregate classification (germline): Pathogenic/Likely pathogenic. Review status: criteria provided, multiple submitters, no conflicts (2 of 4 stars). 7 submissions from 7 submitters: Pathogenic (5); Likely pathogenic (2). Last evaluated 2026-01-07.

Conditions:
Hypophosphatasia. Also called: Phosphoethanol-aminuria. Identifiers: Orphanet 436, MedGen C0020630, MeSH D007014, MONDO:0018570.
Childhood hypophosphatasia. Identifiers: Orphanet 247667, Orphanet 436, MedGen C0220743, MONDO:1010168, OMIM 241510, MONDO:0009428.
Infantile hypophosphatasia. Identifiers: Orphanet 247651, Orphanet 436, MedGen C0268412, MONDO:1010169, OMIM 241500, MONDO:0009427.
Adult hypophosphatasia. Identifiers: Orphanet 247676, Orphanet 436, MedGen C0268413, MONDO:1010154, OMIM 146300, MONDO:0007798.
ALPL-related disorder. Also called: ALPL-related disorders; ALPL-related condition.

Allele frequency attached by ClinVar (database versions not stated): ExAC 0.00001; gnomAD exomes 0.00002; TOPMed 0.00006; ESP Exome Variant Server 0.00008.
gnomAD v4.1: 12 of 1,613,074 alleles (0.00074%); highest among the groups gnomAD compares: African/African-American, 0.0093%; no homozygotes.

Submissions (7):

Natera, Inc.
Classification: Pathogenic for Hypophosphatasia. Last evaluated: 2026-01-07. Review status: criteria provided, single submitter. Criteria: Natera Variant Classification Schema (03/2026). Collection method: clinical testing. Allele origin: germline.
Comment: The c.1348C>T variant in ALPL is a missense variant predicted to cause substitution of arginine to cysteine at amino acid 450. This variant is rare in the general population with a frequency below the threshold expected for the associated phenotype(s). This variant has been observed in one or more individuals affected with the associated recessive disease, as either homozygous or compound heterozygous with a second variant (PMID: 9781036, 25731960, 19940865, 24276437, 31707452, 29159075). Additionally, this variant has been observed to segregate in affected family members (PMID: 16769381). Functional studies show that this variant may disrupt protein function (PMID: 10332035, 17212778). Given the available evidence, this variant is classified as Pathogenic.

PreventionGenetics, part of Exact Sciences
Classification: Pathogenic for ALPL-related condition. Last evaluated: 2025-12-30. Review status: criteria provided, single submitter. Criteria: ACMG Guidelines, 2015. Collection method: clinical testing. Allele origin: germline.
Comment: The ALPL c.1348C>T variant is predicted to result in the amino acid substitution p.Arg450Cys. This variant was also reported as p.Arg433Cys. This variant has been reported in the homozygous and compound heterozygous condition in individuals with infantile/perinatal hypophosphatasia (HPP, Mornet et al. 1998. PubMed ID: 9781036; Martins et al. 2013. PubMed ID: 23791648; Costain et al. 2018. PubMed ID: 29159075; Zurutuza et al. 1999. PubMed ID: 10332035; Whyte et al. 2006. PubMed ID: 16769381; Table S2, Del Angel et al. 2020. PubMed ID: 32160374). An alternate missense variant at the same amino acid position (p.Arg450His) was also reported to be pathogenic. This variant is reported in 0.013% of alleles in individuals of African descent in gnomAD. This variant is interpreted as pathogenic.

Genomenon, Inc
Classification: Pathogenic for Hypophosphatasia. Last evaluated: 2025-08-29. Review status: criteria provided, single submitter. Criteria: Genomenon Sequence Variant Interpretation Standards. Collection method: curation. Allele origin: germline. Affected: yes.
Comment: ALPL c.1348C>T is a missense variant that changes the amino acid at residue 450 from Arginine to Cysteine. This variant has been observed in at least one proband affected with hypophosphatasia (PMID:25731960;32973344;31793067;16769381;9781036;32309015;19446101;19940865;31707452;24276437;29159075;28374482). The variant was found to segregate with disease in at least one affected family (PMID:16769381). At least one functional study has demonstrated a substantial alteration in protein function relative to the wild-type (PMID:10332035;17212778). It is absent or not present at a significant frequency in gnomAD. In silico models agree that this variant is possibly or probably damaging. In conclusion, we classify ALPL p.Arg450Cys (c.1348C>T) as a pathogenic variant.

Rady Children's Institute for Genomic Medicine, Rady Children's Hospital San Diego
Classification: Likely pathogenic for ALPL-related disorders. Last evaluated: 2025-08-05. Review status: criteria provided, single submitter. Criteria: ACMG Guidelines, 2015. Collection method: clinical testing. Allele origin: germline. Affected: yes.
Comment: The c.1348C>T (p.Arg450Cys) variant affects a moderately conserved amino acid and is predicted by multiple in silico tools to have a deleterious effect on protein function. This variant has been reported in homozygous or compound heterozygous state in patients with autosomal recessive perinatal lethal and infantile hypophosphatasia (PMID: 10332035, 17212778). The c.1348C>T (p.Arg450Cys) variant is located in a mutational hotspot for pathogenic variations associated with hypophosphatasia (PMID: 10679946, 12815606). Functional studies showed that the p.Arg450Cys (aka R433C) variant markedly impairs alkaline phosphatase function to 4-11.25% of wild-type activity across various cell lines (PMIDs: 17212778, 10332035, 32160374, 35320273). The c.1348C>T (p.Arg450Cys) variant is present in the latest version of the gnomAD population database at an allele frequency of 0.0007% (12/1613074) and thus is presumed to be rare. Based on the available evidence, c.1348C>T (p.Arg450Cys) is classified as Likely Pathogenic.

Labcorp Genetics (formerly Invitae), Labcorp
Classification: Pathogenic. Last evaluated: 2025-04-11. Review status: criteria provided, single submitter. Criteria: Invitae Variant Classification Sherloc (09022015). Collection method: clinical testing. Allele origin: germline.
Comment: This sequence change replaces arginine, which is basic and polar, with cysteine, which is neutral and slightly polar, at codon 450 of the ALPL protein (p.Arg450Cys). The frequency data for this variant in the population databases is considered unreliable, as metrics indicate poor data quality at this position in the gnomAD database. This missense change has been observed in individual(s) with ALPL-related conditions (PMID: 9781036, 29159075). In at least one individual the data is consistent with being in trans (on the opposite chromosome) from a pathogenic variant. This variant is also known as Arg433Cys. ClinVar contains an entry for this variant (Variation ID: 971527). Invitae Evidence Modeling of protein sequence and biophysical properties (such as structural, functional, and spatial information, amino acid conservation, physicochemical variation, residue mobility, and thermodynamic stability) indicates that this missense variant is expected to disrupt ALPL protein function with a positive predictive value of 95%. Experimental studies have shown that this missense change affects ALPL function (PMID: 17212778). For these reasons, this variant has been classified as Pathogenic.

Baylor Genetics
Classification: Likely pathogenic for Adult hypophosphatasia. Last evaluated: 2024-02-13. Review status: criteria provided, single submitter. Criteria: ACMG Guidelines, 2015. Collection method: clinical testing. Allele origin: unknown.

Fulgent Genetics
Classification: Pathogenic for Adult hypophosphatasia; Infantile hypophosphatasia; Childhood hypophosphatasia. Last evaluated: 2022-05-19. Review status: criteria provided, single submitter. Criteria: ACMG Guidelines, 2015. Collection method: clinical testing. Allele origin: unknown.

Literature cited by the submitters: PubMed 9781036 (cited by 3 submitters); PubMed 25731960 (cited by Natera, Inc. and Genomenon, Inc); PubMed 19940865 (cited by Natera, Inc. and Genomenon, Inc); PubMed 24276437 (cited by Natera, Inc. and Genomenon, Inc); PubMed 31707452 (cited by Natera, Inc. and Genomenon, Inc); PubMed 29159075 (cited by 3 submitters); PubMed 16769381 (cited by Natera, Inc. and Genomenon, Inc); PubMed 10332035 (cited by 3 submitters); PubMed 17212778 (cited by 4 submitters); PubMed 32973344 (cited by Genomenon, Inc); PubMed 31793067 (cited by Genomenon, Inc); PubMed 32309015 (cited by Genomenon, Inc); PubMed 19446101 (cited by Genomenon, Inc); PubMed 28374482 (cited by Genomenon, Inc); PubMed 10679946 (cited by Rady Children's Institute for Genomic Medicine, Rady Children's Hospital San Diego); PubMed 12815606 (cited by Rady Children's Institute for Genomic Medicine, Rady Children's Hospital San Diego); PubMed 32160374 (cited by Rady Children's Institute for Genomic Medicine, Rady Children's Hospital San Diego); PubMed 35320273 (cited by Rady Children's Institute for Genomic Medicine, Rady Children's Hospital San Diego).

NM_000478.6(ALPL):c.1348C>T (p.Arg450Cys)

Gene: ALPL (alkaline phosphatase, biomineralization associated; plus strand). Cytogenetic location: 1p36.12.
Variant type: single nucleotide variant.
Coding change: c.1348C>T on transcript NM_000478.6 (MANE Select); coding-DNA position 1348, C replaced by T.
Protein change: p.Arg450Cys; replaces arginine 450 with cysteine.
Molecular consequence: missense variant.
Genome position (GRCh38, 1-based): chr1:21,577,421, C>T. VCF-style: chr1-21577421-C-T. GRCh37 (hg19) VCF-style: chr1-21903914-C-T.
Other names: c.1183C>T, p.Arg395Cys (NM_001127501.4); c.1117C>T, p.Arg373Cys (NM_001177520.3); c.1348C>T, p.Arg450Cys (NM_001369803.2, NM_001369804.2, NM_001369805.2); short protein forms R450C, R395C, R373C.
Identifiers: ClinVar variation 971527 (VCV000971527.18), dbSNP rs138690664, ClinGen allele CA666828.